The following is an entry in ClinVar:

ClinVar aggregate classification (germline): Uncertain significance (1 of 4 stars; one submission).

Submission:

Labcorp Genetics (formerly Invitae), Labcorp
Classification: Uncertain significance. Last evaluated: 2024-12-31. Review status: criteria provided, single submitter. Criteria: Invitae Variant Classification Sherloc (09022015). Collection method: clinical testing. Allele origin: germline.
Comment: This sequence change falls in intron 6 of the MYLK3 gene. It does not directly change the encoded amino acid sequence of the MYLK3 protein. It affects a nucleotide within the consensus splice site. This variant is not present in population databases (gnomAD no frequency). This variant has not been reported in the literature in individuals affected with MYLK3-related conditions. Variants that disrupt the consensus splice site are a relatively common cause of aberrant splicing (PMID: 17576681, 9536098). Algorithms developed to predict the effect of sequence changes on RNA splicing suggest that this variant may disrupt the consensus splice site. In summary, the available evidence is currently insufficient to determine the role of this variant in disease. Therefore, it has been classified as a Variant of Uncertain Significance.

Literature cited by the submitters: PubMed 17576681; PubMed 9536098.

NM_182493.3(MYLK3):c.1663-3A>G

Gene: MYLK3 (myosin light chain kinase 3; minus strand). Cytogenetic location: 16q11.2.
Variant type: single nucleotide variant.
Coding change: c.1663-3A>G on transcript NM_182493.3 (MANE Select); 3 bases into the intron before coding-DNA position 1663, A replaced by G.
Molecular consequence: intron variant.
Genome position (GRCh38, 1-based): chr16:46,729,136, T>C on the plus strand (A>G on the coding strand, the complement: MYLK3 is on the minus strand). VCF-style: chr16-46729136-T-C. GRCh37 (hg19) VCF-style: chr16-46763048-T-C.
Other names: c.640-3A>G (NM_001308301.1).
Identifiers: ClinVar variation 3728362 (VCV003728362.2).
Genomic context (GRCh38, chr16:46,729,136, plus strand): 5'-GGATCAGGTTCACGTGGCTGAGCTGGTTCATGATGTTGATCTCGTTCTTCACGTCCTCCT[T>C]GGGGGAACCAGAGGACAGAAGGATTTCCAAGCGAATGAGTCAAGAAGAGGAGCCAGCTGA-3'